The following is an entry in ClinVar:

ClinVar aggregate classification (germline): Uncertain significance. Review status: criteria provided, multiple submitters, no conflicts (2 of 4 stars). 2 submissions from 2 submitters: Uncertain significance (2). Last evaluated 2022-05-12.

Conditions:
Neuronal ceroid lipofuscinosis. Also called: Neuronal Ceroid Lipofuscinoses. Identifiers: Orphanet 216, Orphanet 79263, MedGen C0027877, MONDO:0016295. Disease mechanism: loss of function.

Allele frequency attached by ClinVar (database versions not stated): TOPMed below 0.00001; gnomAD 0.00001; ESP Exome Variant Server 0.00008.
gnomAD v4.1: 5 of 1,599,056 alleles (0.00031%); highest among the groups gnomAD compares: African/African-American, 0.0013%; no homozygotes.

Submissions (2):

Labcorp Genetics (formerly Invitae), Labcorp
Classification: Uncertain significance for Neuronal ceroid lipofuscinosis. Last evaluated: 2022-05-12. Review status: criteria provided, single submitter. Criteria: Invitae Variant Classification Sherloc (09022015). Collection method: clinical testing. Allele origin: germline.
Comment: This sequence change replaces proline, which is neutral and non-polar, with leucine, which is neutral and non-polar, at codon 319 of the CTSD protein (p.Pro319Leu). This variant is present in population databases (rs373170074, gnomAD 0.01%). This variant has not been reported in the literature in individuals affected with CTSD-related conditions. ClinVar contains an entry for this variant (Variation ID: 205361). Algorithms developed to predict the effect of missense changes on protein structure and function are either unavailable or do not agree on the potential impact of this missense change (SIFT: "Deleterious"; PolyPhen-2: "Probably Damaging"; Align-GVGD: "Class C0"). In summary, the available evidence is currently insufficient to determine the role of this variant in disease. Therefore, it has been classified as a Variant of Uncertain Significance.

GeneDx
Classification: Uncertain significance. Last evaluated: 2014-12-02. Review status: criteria provided, single submitter. Criteria: GeneDx Variant Classification (06012015). Collection method: clinical testing. Allele origin: germline. Affected: yes.
Comment: p.Pro319Leu (CCG>CTG): c.956 C>T in exon 7 of the CTSD gene (NM_001909.4). A variant of unknown significance has been identified in the CTSD gene. The P319L variant has not been published as a mutation, nor has it been reported as a benign polymorphism . It was not observed with any significant frequency in approximately 6,500 individuals of European and African American ancestry in the NHLBI Exome Sequencing Project. The P319L variant is a semi-conservative amino acid substitution, which may impact secondary protein structure as these residues differ in some properties. This substitution alters a highly conserved position predicted to be within the Cathepsin D heavy chain of the protein. In silico analysis predicts this variant is probably damaging to the protein structure/function. Based on the currently available information, it is unclear whether this variant is a pathogenic mutation or a rare benign variant.The variant is found in EPILEPSY panel(s).

NM_001909.5(CTSD):c.956C>T (p.Pro319Leu)

Gene: CTSD (cathepsin D; minus strand). Cytogenetic location: 11p15.5.
Variant type: single nucleotide variant.
Coding change: c.956C>T on transcript NM_001909.5 (MANE Select); coding-DNA position 956, C replaced by T.
Protein change: p.Pro319Leu; replaces proline 319 with leucine.
Molecular consequence: missense variant.
Genome position (GRCh38, 1-based): chr11:1,754,010, G>A on the plus strand (C>T on the coding strand, the complement: CTSD is on the minus strand). VCF-style: chr11-1754010-G-A. GRCh37 (hg19) VCF-style: chr11-1775240-G-A.
Other names: p.P319L:CCG>CTG; short protein forms P319L.
Identifiers: ClinVar variation 205361 (VCV000205361.9), dbSNP rs373170074, ClinGen allele CA314364.
Genomic context (GRCh38, chr11:1,754,010, plus strand): 5'-TCCCCCTGCCAGCCCCAGCCCCAGCCCCAGCCCCCGGCGCTCACCTCGCCCTGAATCAGC[G>A]GCACGGCCCCGATGGCCTTCTGCAGCTCGCGCACCTCATCCACCGGGCCCACCATGAGGG-3'
Protein context (NP_001900.1, residues 309-329): RELQKAIGAV[Pro319Leu]LIQGEYMIPC